The following is an entry in ClinVar:

ClinVar aggregate classification (germline): Conflicting classifications of pathogenicity. Review status: criteria provided, conflicting classifications (1 of 4 stars). 13 submissions from 13 submitters: Uncertain significance (6); Likely benign (1). 6 of the submissions do not count toward it. Last evaluated 2026-05-04.

Conditions:
Usher syndrome. Also called: Usher Syndromes; Usher's syndrome. Identifiers: Orphanet 886, MedGen CN469326, MeSH D052245, MONDO:0019501. Disease mechanism: loss of function.
USH2A-related disorder. Also called: USH2A-related condition; USH2A-related disorders. Identifiers: MedGen CN239332.
Retinitis pigmentosa 39 (RP39). Identifiers: Orphanet 791, MedGen C3151138, MONDO:0013436, OMIM 613809.
Usher syndrome type 2A. Also called: RETINAL DISEASE IN USHER SYNDROME TYPE IIA, MODIFIER OF; USHER SYNDROME, TYPE IIA. Identifiers: Orphanet 231178, Orphanet 886, MedGen C1848634, MONDO:0010169, OMIM 276901.

Allele frequency attached by ClinVar (database versions not stated): ExAC 0.00019; gnomAD exomes 0.00029 and 0.00046; TOPMed 0.00029; gnomAD 0.00033; ESP Exome Variant Server 0.00054.
gnomAD v4.1: 709 of 1,613,094 alleles (0.044%); highest among the groups gnomAD compares: Non-Finnish European, 0.057%; no homozygotes.

Submissions (13):

PreventionGenetics, part of Exact Sciences
Classification: Uncertain significance for USH2A-related condition. Last evaluated: 2026-05-04. Review status: criteria provided, single submitter. Criteria: ACMG Guidelines, 2015. Collection method: clinical testing. Allele origin: germline.
Comment: The USH2A c.6590C>T variant is predicted to result in the amino acid substitution p.Thr2197Ile. This variant was reported in a patient with Usher syndrome (Table S2, Carss et al. 2017. PubMed ID: 28041643), in a patient with presumed ocular histoplasmosis syndrome (Table S2, Li et al. 2020. PubMed ID: 32707200), in a patient with retinal disease (Table S1, Lin et al. 2024. PubMed ID: 38219857), and in a patient with retinitis pigmentosa (González-Del Pozo et al. 2018. PubMed ID: 30190494). In all cases, conclusive evidence of pathogenicity for this variant was not presented. This variant is reported in 0.047% of alleles in individuals of European (Non-Finnish) descent in gnomAD. At this time, the clinical significance of this variant is uncertain due to the absence of conclusive functional and genetic evidence.

Labcorp Genetics (formerly Invitae), Labcorp
Classification: Likely benign. Last evaluated: 2026-01-18. Review status: criteria provided, single submitter. Criteria: Invitae Variant Classification Sherloc (09022015). Collection method: clinical testing. Allele origin: germline.

GeneDx
Classification: Uncertain significance. Last evaluated: 2025-10-31. Review status: criteria provided, single submitter. Criteria: GeneDx Variant Classification Process June 2021. Collection method: clinical testing. Allele origin: germline. Affected: yes.
Comment: Identified in a patient with Usher syndrome who also harbored several other variants in the USH2A gene (phase unknown) in published literature (PMID: 28041643); In silico analysis supports that this missense variant has a deleterious effect on protein structure/function; This variant is associated with the following publications: (PMID: 32707200, 30190494, 35128159, Hu_2022_abstract_, 38219857, 28041643)

Blueprint Genetics
Classification: Uncertain significance. Last evaluated: 2024-10-31. Review status: criteria provided, single submitter. Criteria: ACMG Guidelines, 2015. Collection method: clinical testing. Allele origin: germline.

Women's Health and Genetics/Laboratory Corporation of America, LabCorp
Classification: Uncertain significance. Last evaluated: 2022-06-02. Review status: criteria provided, single submitter. Criteria: LabCorp Variant Classification Summary - May 2015. Collection method: clinical testing. Allele origin: germline.
Comment: Variant summary: USH2A c.6590C>T (p.Thr2197Ile) results in a non-conservative amino acid change located in the Fibronectin type III domain (IPR003961) of the encoded protein sequence. Three of five in-silico tools predict a damaging effect of the variant on protein function. The variant allele was found at a frequency of 0.00029 in 250856 control chromosomes. This frequency is not significantly higher than estimated for a pathogenic variant in USH2A causing Usher Syndrome (0.00029 vs 0.011), allowing no conclusion about variant significance. c.6590C>T has been reported in the literature as a non-informative genotype (second allele not specified, or multiple alleles with/without phase specified) in individuals undergoing analysis for inherited retinal diseases (example, Carss_2017. Gonzalez-del Pozo_2018, Li_2021). These report(s) do not provide unequivocal conclusions about association of the variant with Usher Syndrome. At-least one co-occurrence in cis with another pathogenic variant(s) have been reported (Gonzalez-del Pozo_2018, USH2A c.6590C>T, p.Cys520*), providing supporting evidence for a benign role. To our knowledge, no experimental evidence demonstrating an impact on protein function has been reported. Five clinical diagnostic laboratories have submitted clinical-significance assessments for this variant to ClinVar after 2014 without evidence for independent evaluation. All laboratories classified the variant as uncertain significance. Based on the evidence outlined above, the variant was classified as uncertain significance.

Fulgent Genetics
Classification: Uncertain significance for Usher syndrome type 2A; Retinitis pigmentosa 39. Last evaluated: 2022-03-09. Review status: criteria provided, single submitter. Criteria: ACMG Guidelines, 2015. Collection method: clinical testing. Allele origin: unknown.

Laboratory for Molecular Medicine, Mass General Brigham Personalized Medicine
Classification: Uncertain significance. Last evaluated: 2013-09-03. Review status: criteria provided, single submitter. Criteria: LMM Criteria. Collection method: clinical testing. Allele origin: germline. Observed: 1 variant allele.
Comment: Variant classified as Uncertain Significance - Favor Benign. The Thr2197Ile vari ant in USH2A has not been reported in individuals with hearing loss, but has bee n identified in 0.07% (6/8600) of European American chromosomes by the NHLBI Exo me Sequencing Project (dbSNP rs140487302). Al though this variant has been seen in the general population, its frequency is no t high enough to rule out a pathogenic role. Computational analyses (biochemica l amino acid properties, conservation, AlignGVGD, PolyPhen2, and SIFT) do not pr ovide strong support for or against an impact to the protein. In summary, the cl inical significance of this variant cannot be determined with certainty; however based upon the frequency data described above, we would lean towards a more lik ely benign role.

Natera, Inc.
Classification: Uncertain significance for Usher syndrome type 2A. Last evaluated: 2020-01-24. Review status: no assertion criteria provided. Collection method: clinical testing. Allele origin: germline. Not counted in ClinVar's aggregate classification.

Counsyl
Classification: Uncertain significance for Usher syndrome type 2A; Retinitis pigmentosa 39. Last evaluated: 2017-10-06. Review status: no assertion criteria provided. Collection method: clinical testing. Allele origin: unknown. Not counted in ClinVar's aggregate classification.

NIHR Bioresource Rare Diseases, University of Cambridge
Classification: Uncertain significance for Usher syndrome, type 2D. Last evaluated: 2015-01-01. Review status: no assertion criteria provided. Collection method: research. Allele origin: unknown. Affected: yes. Observed: 1 variant allele. Not counted in ClinVar's aggregate classification.

Clinical Genetics DNA and cytogenetics Diagnostics Lab, Erasmus MC, Erasmus Medical Center
Classification: Uncertain significance. Review status: no assertion criteria provided. Collection method: clinical testing. Allele origin: germline. Affected: yes. Study: VKGL Data-share Consensus. Not counted in ClinVar's aggregate classification.

Clinical Genetics, Academic Medical Center
Classification: Uncertain significance. Review status: no assertion criteria provided. Collection method: clinical testing. Allele origin: germline. Affected: yes. Study: VKGL Data-share Consensus. Not counted in ClinVar's aggregate classification.

Joint Genome Diagnostic Labs from Nijmegen and Maastricht, Radboudumc and MUMC+
Classification: Uncertain significance. Review status: no assertion criteria provided. Collection method: clinical testing. Allele origin: germline. Affected: yes. Study: VKGL Data-share Consensus. Not counted in ClinVar's aggregate classification.

Literature cited by the submitters: PubMed 28041643 (cited by 3 submitters); PubMed 32707200 (cited by Women's Health and Genetics/Laboratory Corporation of America, LabCorp); PubMed 30190494 (cited by Women's Health and Genetics/Laboratory Corporation of America, LabCorp).

NM_206933.4(USH2A):c.6590C>T (p.Thr2197Ile)

Gene: USH2A (usherin; minus strand). Cytogenetic location: 1q41.
Variant type: single nucleotide variant.
Coding change: c.6590C>T on transcript NM_206933.4 (MANE Select); coding-DNA position 6590, C replaced by T.
Protein change: p.Thr2197Ile; replaces threonine 2197 with isoleucine.
Molecular consequence: missense variant.
Genome position (GRCh38, 1-based): chr1:215,998,954, G>A on the plus strand (C>T on the coding strand, the complement: USH2A is on the minus strand). VCF-style: chr1-215998954-G-A. GRCh37 (hg19) VCF-style: chr1-216172296-G-A.
Other names: short protein forms T2197I.
Identifiers: ClinVar variation 166481 (VCV000166481.26), dbSNP rs140487302, ClinGen allele CA179546.